The following is an entry in ClinVar:

ClinVar aggregate classification (germline): Pathogenic. Review status: criteria provided, multiple submitters, no conflicts (2 of 4 stars). 5 submissions from 5 submitters: Pathogenic (4). 1 of the submissions does not count toward it. Last evaluated 2026-06-29.

Conditions:
Hereditary factor VIII deficiency disease (HEMA). Also called: HEMOPHILIA, CLASSIC; AUTOSOMAL HEMOPHILIA A; Hemophilia A; Hemophilia A, congenital; HEM A; Factor 8 deficiency, congenital. Identifiers: Orphanet 98878, MedGen C0019069, MONDO:0010602, OMIM 306700.

Submissions (5):

Myriad Genetics, Inc.
Classification: Pathogenic for Hereditary factor VIII deficiency disease. Last evaluated: 2026-06-29. Review status: criteria provided, single submitter. Criteria: Myriad Autosomal Dominant, Autosomal Recessive and X-Linked Classification Criteria (2023). Collection method: clinical testing. Allele origin: unknown.
Comment: NM_000132.3(F8):c.4825dupA(T1609Nfs*4) is expected to be pathogenic in the context of hemophilia A. This variant is predicted to lead to an abnormal or absent protein product due to the creation of a premature termination codon in F8, a gene where loss-of-function variants are known to be pathogenic. Please note: this variant was assessed in the context of healthy population screening.

Variantyx, Inc.
Classification: Pathogenic for Hereditary factor VIII deficiency disease. Last evaluated: 2025-09-12. Review status: criteria provided, single submitter. Criteria: Variantyx Assertion Criteria 2022. Collection method: clinical testing. Allele origin: maternal. Inheritance: X-linked recessive inheritance.
Comment: This is a frameshift variant in the F8 gene (OMIM: 300841). Pathogenic variants in this gene have been associated with X-linked hemophilia A. This variant introduces a premature termination codon in exon 4 out of 26 and is expected to result in loss of function, which is a known disease mechanism for F8 in this disorder (PMID: 23551875) (PVS1). This variant has been reported in several unrelated affected individuals (PMID: 33245802, 35014236) (PS4), and is absent from control populations (PM2). Based on the current evidence, this variant is classified as pathogenic for X-linked hemophilia A.

Women's Health and Genetics/Laboratory Corporation of America, LabCorp
Classification: Pathogenic for Hereditary factor VIII deficiency disease. Last evaluated: 2025-06-18. Review status: criteria provided, single submitter. Criteria: LabCorp Variant Classification Summary - May 2015. Collection method: clinical testing. Allele origin: germline.
Comment: Variant summary: F8 c.4825dupA (p.Thr1609AsnfsX4) results in a premature termination codon, predicted to cause a truncation of the encoded protein or absence of the protein due to nonsense mediated decay, which are commonly known mechanisms for disease. The variant was absent in 182603 control chromosomes (gnomAD). c.4825dupA has been observed in multiple individuals affected with Factor VIII Deficiency (Hemophilia A) (Lu_2018). These data indicate that the variant is very likely to be associated with disease. To our knowledge, no experimental evidence demonstrating an impact on protein function has been reported. The following publication have been ascertained in the context of this evaluation (PMID: 29381227). ClinVar contains an entry for this variant (Variation ID: 10263). Based on the evidence outlined above, the variant was classified as pathogenic.

ARUP Laboratories, Molecular Genetics and Genomics, ARUP Laboratories
Classification: Pathogenic. Last evaluated: 2022-06-01. Review status: criteria provided, single submitter. Criteria: ARUP Molecular Germline Variant Investigation Process 2021. Collection method: clinical testing. Allele origin: germline.
Comment: The F8 c.4825dupA; p.Thr1609AsnfsTer4 variant (rs397514036) is reported in the literature in multiple individuals affected with severe hemophilia A (Lu 2018, Factor VIII database and references therein). In at least one affected individual, this variant is reported to have arisen de novo (Lu 2018). This variant is absent from general population databases (Exome Variant Server, Genome Aggregation Database), indicating it is not a common polymorphism. This variant causes a frameshift by inserting a single nucleotide, so it is predicted to result in a truncated protein or mRNA subject to nonsense-mediated decay. Based on available information, this variant is considered to be pathogenic. References: Factor VIII variant database: Lu Y et al. Spectrum and origin of mutations in sporadic cases of haemophilia A in China. Haemophilia. 2018 Mar;24(2):291-298.

OMIM
Classification: Pathogenic for HEMOPHILIA A. Last evaluated: 1993-12-01. Review status: no assertion criteria provided. Collection method: literature only. Allele origin: germline. Not counted in ClinVar's aggregate classification.

Literature cited by the submitters: PubMed 33245802 (cited by Variantyx, Inc.); PubMed 35014236 (cited by Variantyx, Inc.); PubMed 23551875 (cited by Variantyx, Inc.); PubMed 29381227 (cited by Women's Health and Genetics/Laboratory Corporation of America, LabCorp); PubMed 8307558 (cited by OMIM).

NM_000132.4(F8):c.4825dup (p.Thr1609fs)

Gene: F8 (coagulation factor VIII; minus strand). Cytogenetic location: Xq28.
Variant type: Duplication.
Coding change: c.4825dup on transcript NM_000132.4 (MANE Select); coding-DNA position 4825, one base duplicated (A; older notation c.4825dupA).
Protein change: p.Thr1609fs; shifts the reading frame from threonine 1609.
Molecular consequence: frameshift variant.
Genome position (GRCh38, 1-based): chrX:154,928,965, T duplicated on the plus strand (A on the coding strand, the reverse complement: F8 is on the minus strand); the first of 6 consecutive T bases (chrX:154,928,965-154,928,970); duplicating any one gives the same sequence. VCF-style (leftmost placement, unchanged base first): chrX-154928964-G-GT. GRCh37 (hg19) VCF-style: chrX-154157239-G-GT.
Other names: F8, 1-BP INS, FS; c.4825dupA (NM_000132.4); short protein forms T1609fs.
Identifiers: ClinVar variation 10263 (VCV000010263.14), dbSNP rs397514036, ClinGen allele CA255152.